The following is an entry in ClinVar:

ClinVar aggregate classification (germline): Benign. Review status: criteria provided, multiple submitters, no conflicts (2 of 4 stars). 11 submissions from 10 submitters: Benign (9). 2 of the submissions do not count toward it. Last evaluated 2026-02-04.

Conditions:
Leigh syndrome (NULS). Also called: Leigh Disease; Subacute necrotizing encephalopathy; Necrotizing encephalopathy infantile subacute of Leigh; Leigh's necrotizing encephalopathy; Leigh's disease; Leigh Syndrome (mtDNA deletion). Identifiers: Orphanet 506, MedGen C2931891, MONDO:0009723, OMIM 256000.
Mitochondrial complex I deficiency, nuclear type 1. Also called: NADH-COENZYME Q REDUCTASE DEFICIENCY; MITOCHONDRIAL NADH DEHYDROGENASE COMPONENT OF COMPLEX I, DEFICIENCY OF. Identifiers: MedGen C6022305, MONDO:0100224, OMIM 252010.

Allele frequency attached by ClinVar (database versions not stated): 1000 Genomes Project 0.94349; 1000 Genomes Project 30x 0.94394; gnomAD exomes 0.96240; gnomAD 0.96376 and 0.96579; TOPMed 0.96551; ESP Exome Variant Server 0.96878.
gnomAD v4.1: 1,550,525 of 1,611,208 alleles (96%); highest among the groups gnomAD compares: Admixed American, 98%; 746,514 homozygotes.

Submissions (11):

Labcorp Genetics (formerly Invitae), Labcorp
Classification: Benign. Last evaluated: 2026-02-04. Review status: criteria provided, single submitter. Criteria: Invitae Variant Classification Sherloc (09022015). Collection method: clinical testing. Allele origin: germline.

Blueprint Genetics
Classification: Benign. Last evaluated: 2024-11-26. Review status: criteria provided, single submitter. Criteria: ACMG Guidelines, 2015. Collection method: clinical testing. Allele origin: germline.

Genome-Nilou Lab
Classification: Benign for Mitochondrial complex I deficiency, nuclear type 1. Last evaluated: 2021-09-05. Review status: criteria provided, single submitter. Criteria: ACMG Guidelines, 2015. Collection method: clinical testing. Allele origin: germline. Affected: no.

Mendelics
Classification: Benign for Leigh syndrome. Last evaluated: 2019-05-28. Review status: criteria provided, single submitter. Criteria: Mendelics Assertion Criteria 2017. Collection method: clinical testing. Allele origin: unknown.

Women's Health and Genetics/Laboratory Corporation of America, LabCorp
Classification: Benign. Last evaluated: 2018-09-17. Review status: criteria provided, single submitter. Criteria: LabCorp Variant Classification Summary - May 2015. Collection method: clinical testing. Allele origin: germline.
Comment: Variant summary: NDUFS4 c.198A>C alters a non-conserved nucleotide resulting in a synonymous change. 5/5 computational tools predict no significant impact on normal splicing. However, these predictions have yet to be confirmed by functional studies. The variant allele was found at a frequency of 0.96 in 275374 control chromosomes, suggesting that it is the major allele (the variant most commonly observed in the general population), therefore is benign. Two ClinVar submissions from clinical diagnostic laboratories (evaluation after 2014) cites the variant as benign. Based on the evidence outlined above, the variant was classified as benign.

Illumina Laboratory Services, Illumina
Classification: Benign for Mitochondrial complex I deficiency, nuclear type 1. Last evaluated: 2018-01-12. Review status: criteria provided, single submitter. Criteria: ICSL Variant Classification Criteria 13 December 2019. Collection method: clinical testing. Allele origin: germline.
Comment: This variant was observed in the ICSL laboratory as part of a predisposition screen in an ostensibly healthy population. It had not been previously curated by ICSL or reported in the Human Gene Mutation Database (HGMD: prior to June 1st, 2018), and was therefore a candidate for classification through an automated scoring system. Utilizing variant allele frequency, disease prevalence and penetrance estimates, and inheritance mode, an automated score was calculated to assess if this variant is too frequent to cause the disease. Based on the score and internal cut-off values, a variant classified as benign is not then subjected to further curation. The score for this variant resulted in a classification of benign for this disease.

Illumina Laboratory Services, Illumina
Classification: Benign for Leigh syndrome. Last evaluated: 2018-01-12. Review status: criteria provided, single submitter. Criteria: ICSL Variant Classification Criteria 13 December 2019. Collection method: clinical testing. Allele origin: germline.
Comment: the same text as in the submission from Illumina Laboratory Services, Illumina above.

GeneDx
Classification: Benign. Last evaluated: 2015-03-03. Review status: criteria provided, single submitter. Criteria: GeneDx Variant Classification Process June 2021. Collection method: clinical testing. Allele origin: germline. Affected: yes.

Breakthrough Genomics
Classification: Benign. Review status: criteria provided, single submitter. Criteria: ACMG Guidelines, 2015. Collection method: not provided. Allele origin: germline. Inheritance: Autosomal recessive inheritance. Affected: yes.

Mayo Clinic Laboratories, Mayo Clinic
Classification: Benign. Last evaluated: 2016-02-19. Review status: no assertion criteria provided. Collection method: clinical testing. Allele origin: unknown. Not counted in ClinVar's aggregate classification.

Genetic Services Laboratory, University of Chicago
Classification: Likely benign for AllHighlyPenetrant. Review status: no assertion criteria provided. Collection method: clinical testing. Allele origin: germline. Inheritance: Autosomal recessive inheritance. Not counted in ClinVar's aggregate classification.
Comment: Likely benign based on allele frequency in 1000 Genomes Project or ESP global frequency and its presence in a patient with a rare or unrelated disease phenotype. NOT Sanger confirmed.

NM_002495.4(NDUFS4):c.198A>C (p.Gly66=)

Gene: NDUFS4 (NADH:ubiquinone oxidoreductase subunit S4; plus strand). Cytogenetic location: 5q11.2.
Variant type: single nucleotide variant.
Coding change: c.198A>C on transcript NM_002495.4 (MANE Select); coding-DNA position 198, A replaced by C.
Protein change: p.Gly66=; no amino-acid change (glycine 66 retained).
Molecular consequence: synonymous variant. On other transcripts: non-coding transcript variant (3).
Genome position (GRCh38, 1-based): chr5:53,646,253, A>C. VCF-style: chr5-53646253-A-C. GRCh37 (hg19) VCF-style: chr5-52942083-A-C.
Other names: c.198A>C, p.Gly66= (NM_001318051.2).
Identifiers: ClinVar variation 129700 (VCV000129700.30), dbSNP rs31304, ClinGen allele CA153871.